The following is an entry in ClinVar:

ClinVar aggregate classification (germline): Uncertain significance. Review status: criteria provided, multiple submitters, no conflicts (2 of 4 stars). 9 submissions from 6 submitters: Uncertain significance (8). 1 of the submissions does not count toward it. Last evaluated 2025-09-03.

Conditions:
Basal laminar drusen. Also called: DRUSEN OF BRUCH MEMBRANE; DRUSEN, CUTICULAR; DRUSEN, EARLY ADULT-ONSET, GROUPED. Identifiers: Orphanet 75376, MedGen C0730295, MONDO:0007472, OMIM 126700.
Retinal dystrophy. Also called: Inherited retinal dystrophy. Identifiers: Orphanet 71862, MedGen C0854723, MeSH D058499, MONDO:0019118, HP:0000556.
Factor H deficiency (CFHD). Also called: CFH DEFICIENCY; COMPLEMENT FACTOR H DEFICIENCY. Identifiers: Orphanet 200421, MedGen C0398777, MONDO:0012350, OMIM 609814.
Age related macular degeneration 4. Identifiers: MedGen C1853147, MONDO:0012540, OMIM 610698.
Hemolytic uremic syndrome, atypical, susceptibility to, 1. Also called: AHUS, SUSCEPTIBILITY TO, 1. Identifiers: Orphanet 2134, Orphanet 90038, MedGen C2749604, MONDO:0009335, OMIM 235400. Disease mechanism: Other.

Allele frequency attached by ClinVar (database versions not stated): gnomAD 0.00002; gnomAD exomes 0.00002; ExAC 0.00003; TOPMed 0.00003.
gnomAD v4.1: 31 of 1,578,352 alleles (0.002%); highest among the groups gnomAD compares: Non-Finnish European, 0.0024%; no homozygotes.

Submissions (10):

Labcorp Genetics (formerly Invitae), Labcorp
Classification: Uncertain significance. Last evaluated: 2025-09-03. Review status: criteria provided, single submitter. Criteria: Invitae Variant Classification Sherloc (09022015). Collection method: clinical testing. Allele origin: germline.
Comment: This sequence change replaces asparagine, which is neutral and polar, with serine, which is neutral and polar, at codon 819 of the CFH protein (p.Asn819Ser). This variant is present in population databases (rs781393769, gnomAD 0.007%). This variant has not been reported in the literature in individuals affected with CFH-related conditions. ClinVar contains an entry for this variant (Variation ID: 1365901). An algorithm developed to predict the effect of missense changes on protein structure and function (PolyPhen-2) suggests that this variant is likely to be disruptive. In summary, the available evidence is currently insufficient to determine the role of this variant in disease. Therefore, it has been classified as a Variant of Uncertain Significance.

Women's Health and Genetics/Laboratory Corporation of America, LabCorp
Classification: Uncertain significance. Last evaluated: 2025-09-03. Review status: criteria provided, single submitter. Criteria: LabCorp Variant Classification Summary - May 2015. Collection method: clinical testing. Allele origin: germline.
Comment: Variant summary: CFH c.2456A>G (p.Asn819Ser) results in a conservative amino acid change in the encoded protein sequence. Algorithms developed to predict the effect of missense changes on protein structure and function all suggest that this variant is likely to be tolerated. The variant allele was found at a frequency of 2.1e-05 in 240170 control chromosomes. The available data on variant occurrences in the general population are insufficient to allow any conclusion about variant significance. To our knowledge, no occurrence of c.2456A>G in individuals affected with CFH-related conditions and no experimental evidence demonstrating its impact on protein function have been reported. ClinVar contains an entry for this variant (Variation ID: 1365901). Based on the evidence outlined above, the variant was classified as uncertain significance.

Mayo Clinic Laboratories, Mayo Clinic
Classification: Uncertain significance. Last evaluated: 2023-12-13. Review status: criteria provided, single submitter. Criteria: ACMG Guidelines, 2015. Collection method: clinical testing. Allele origin: germline. Observed: 1 variant allele.

Genome-Nilou Lab
Classification: Uncertain significance for Hemolytic uremic syndrome, atypical, susceptibility to, 1. Last evaluated: 2023-04-11. Review status: criteria provided, single submitter. Criteria: ACMG Guidelines, 2015. Collection method: clinical testing. Allele origin: germline. Affected: no.

Genome-Nilou Lab
Classification: Uncertain significance for Age related macular degeneration 4. Last evaluated: 2023-04-11. Review status: criteria provided, single submitter. Criteria: ACMG Guidelines, 2015. Collection method: clinical testing. Allele origin: germline. Affected: no.

Genome-Nilou Lab
Classification: Uncertain significance for Basal laminar drusen. Last evaluated: 2023-04-11. Review status: criteria provided, single submitter. Criteria: ACMG Guidelines, 2015. Collection method: clinical testing. Allele origin: germline. Affected: no.

Genome-Nilou Lab
Classification: Uncertain significance for Factor H deficiency. Last evaluated: 2023-04-11. Review status: criteria provided, single submitter. Criteria: ACMG Guidelines, 2015. Collection method: clinical testing. Allele origin: germline. Affected: no.

Fulgent Genetics
Classification: Uncertain significance for Basal laminar drusen; Hemolytic uremic syndrome, atypical, susceptibility to, 1; Factor H deficiency; Age related macular degeneration 4. Last evaluated: 2021-11-17. Review status: criteria provided, single submitter. Criteria: ACMG Guidelines, 2015. Collection method: clinical testing. Allele origin: unknown.

Institute of Human Genetics, Univ. Regensburg, Univ. Regensburg
Classification: Uncertain significance for Retinal dystrophy. Last evaluated: 2022-01-01. Review status: no assertion criteria provided. Criteria: ACMG Guidelines, 2015. Collection method: clinical testing. Allele origin: germline. Affected: yes. Not counted in ClinVar's aggregate classification.

Dr. Peter K. Rogan Lab, Western University
No classification provided (evidence only). Condition: Clear cell carcinoma of kidney. Review status: no classification provided. Collection method: in vitro. Allele origin: not applicable. Functional consequence: retained intron. Not counted in ClinVar's aggregate classification.

NM_000186.4(CFH):c.2456A>G (p.Asn819Ser)

Gene: CFH (complement factor H; plus strand). Cytogenetic location: 1q31.3.
Variant type: single nucleotide variant.
Coding change: c.2456A>G on transcript NM_000186.4 (MANE Select); coding-DNA position 2456, A replaced by G.
Protein change: p.Asn819Ser; replaces asparagine 819 with serine.
Molecular consequence: missense variant.
Genome position (GRCh38, 1-based): chr1:196,736,866, A>G. VCF-style: chr1-196736866-A-G. GRCh37 (hg19) VCF-style: chr1-196705996-A-G.
Other names: p.Asn819Ser; short protein forms N819S.
Identifiers: ClinVar variation 1365901 (VCV001365901.14), dbSNP rs781393769, ClinGen allele CA1305670.
Genomic context (GRCh38, chr1:196,736,866, plus strand): 5'-ATTTTTAATATTTTTTAGTGGCACAAATACAATTATGCCCACCTCCACCTCAGATTCCCA[A>G]TTCTCACAATATGACAACCACACTGAATTATCGGGATGGAGAAAAAGTATCTGTTCTTTG-3'
Protein context (NP_000177.2, residues 809-829): QLCPPPPQIP[Asn819Ser]SHNMTTTLNY